The following is an entry in ClinVar:

ClinVar aggregate classification (germline): Conflicting classifications of pathogenicity. Review status: criteria provided, conflicting classifications (1 of 4 stars). 3 submissions from 3 submitters: Uncertain significance (2); Likely benign (1). Last evaluated 2026-02-01.

Allele frequency attached by ClinVar (database versions not stated): gnomAD 0.00004 and 0.00005; TOPMed 0.00004; gnomAD exomes 0.00005 and 0.00012; ExAC 0.00008; ESP Exome Variant Server 0.00009.

Submissions (3):

CeGaT Center for Human Genetics Tuebingen
Classification: Likely benign. Last evaluated: 2026-02-01. Review status: criteria provided, single submitter. Criteria: CeGaT Center For Human Genetics Tuebingen Variant Classification Criteria Version 2. Collection method: clinical testing. Allele origin: germline. Affected: yes. Observed: 1 variant allele.
Comment: RNF113A: BS2

Labcorp Genetics (formerly Invitae), Labcorp
Classification: Uncertain significance. Last evaluated: 2025-07-19. Review status: criteria provided, single submitter. Criteria: Invitae Variant Classification Sherloc (09022015). Collection method: clinical testing. Allele origin: germline.
Comment: This sequence change replaces proline, which is neutral and non-polar, with arginine, which is basic and polar, at codon 108 of the RNF113A protein (p.Pro108Arg). This variant is present in population databases (rs374130836, gnomAD 0.01%). This variant has not been reported in the literature in individuals affected with RNF113A-related conditions. ClinVar contains an entry for this variant (Variation ID: 1483615). Invitae Evidence Modeling of protein sequence and biophysical properties (such as structural, functional, and spatial information, amino acid conservation, physicochemical variation, residue mobility, and thermodynamic stability) indicates that this missense variant is not expected to disrupt RNF113A protein function with a negative predictive value of 80%. In summary, the available evidence is currently insufficient to determine the role of this variant in disease. Therefore, it has been classified as a Variant of Uncertain Significance.

Ambry Genetics
Classification: Uncertain significance. Last evaluated: 2022-06-17. Review status: criteria provided, single submitter. Criteria: Ambry Variant Classification Scheme 2023. Collection method: clinical testing. Allele origin: germline.

NM_006978.3(RNF113A):c.323C>G (p.Pro108Arg)

Gene: RNF113A (ring finger protein 113A; minus strand). Cytogenetic location: Xq24.
Variant type: single nucleotide variant.
Coding change: c.323C>G on transcript NM_006978.3 (MANE Select); coding-DNA position 323, C replaced by G.
Protein change: p.Pro108Arg; replaces proline 108 with arginine.
Molecular consequence: missense variant.
Genome position (GRCh38, 1-based): chrX:119,871,291, G>C on the plus strand (C>G on the coding strand, the complement: RNF113A is on the minus strand). VCF-style: chrX-119871291-G-C. GRCh37 (hg19) VCF-style: chrX-119005254-G-C.
Other names: c.323C>G (NM_006978.2); short protein forms P108R.
Identifiers: ClinVar variation 1483615 (VCV001483615.13), dbSNP rs374130836, ClinGen allele CA10503476.
Genomic context (GRCh38, chrX:119,871,291, plus strand): 5'-CGCTCTTTCTCTGTGTCCAGCTCATAGACAGCTGTCGCTCCCATATCCTCTGGTCCCACG[G>C]GTTTCGCCGAACGGGTGGATTTATAAACCACGCCGAGACTCTCGGGCTCATTTTCCTCTT-3'
Protein context (NP_008909.1, residues 98-118): VVYKSTRSAK[Pro108Arg]VGPEDMGATA